The following is an entry in ClinVar:

NM_005045.4(RELN):c.62T>C (p.Leu21Pro)

Gene: RELN (reelin; minus strand). Cytogenetic location: 7q22.1.
Variant type: single nucleotide variant.
Coding change: c.62T>C on transcript NM_005045.4 (MANE Select); coding-DNA position 62, T replaced by C.
Protein change: p.Leu21Pro; replaces leucine 21 with proline.
Molecular consequence: missense variant.
Genome position (GRCh38, 1-based): chr7:103,989,295, A>G on the plus strand (T>C on the coding strand, the complement: RELN is on the minus strand). VCF-style: chr7-103989295-A-G. GRCh37 (hg19) VCF-style: chr7-103629742-A-G.
Other names: c.62T>C, p.Leu21Pro (NM_173054.3); short protein forms L21P.
Identifiers: ClinVar variation 2927843 (VCV002927843.3), dbSNP rs1584425842, ClinGen allele CA368931547.

ClinVar aggregate classification (germline): Uncertain significance (1 of 4 stars; one submission).

Conditions:
Norman-Roberts syndrome (LIS2). Also called: Lissencephaly 2 (Norman-Roberts type). Identifiers: Orphanet 89844, MedGen C0796089, MONDO:0009760, OMIM 257320.
Familial temporal lobe epilepsy 7. Identifiers: Orphanet 101046, MedGen C4225327, MONDO:0014639, OMIM 616436.

Submission:

Labcorp Genetics (formerly Invitae), Labcorp
Classification: Uncertain significance for Familial temporal lobe epilepsy 7; Norman-Roberts syndrome. Last evaluated: 2023-09-04. Review status: criteria provided, single submitter. Criteria: Invitae Variant Classification Sherloc (09022015). Collection method: clinical testing. Allele origin: germline.
Comment: In summary, the available evidence is currently insufficient to determine the role of this variant in disease. Therefore, it has been classified as a Variant of Uncertain Significance. Advanced modeling of protein sequence and biophysical properties (such as structural, functional, and spatial information, amino acid conservation, physicochemical variation, residue mobility, and thermodynamic stability) performed at Invitae indicates that this missense variant is not expected to disrupt RELN protein function. This variant has not been reported in the literature in individuals affected with RELN-related conditions. This variant is not present in population databases (gnomAD no frequency). This sequence change replaces leucine, which is neutral and non-polar, with proline, which is neutral and non-polar, at codon 21 of the RELN protein (p.Leu21Pro).